The following is an entry in ClinVar:

NM_001040108.2(MLH3):c.918T>A (p.Tyr306Ter)

Gene: MLH3 (mutL homolog 3; minus strand). Cytogenetic location: 14q24.3.
Variant type: single nucleotide variant.
Coding change: c.918T>A on transcript NM_001040108.2 (MANE Select); coding-DNA position 918, T replaced by A.
Protein change: p.Tyr306Ter; replaces tyrosine 306 with a stop codon.
Molecular consequence: nonsense.
Genome position (GRCh38, 1-based): chr14:75,048,738, A>T on the plus strand (T>A on the coding strand, the complement: MLH3 is on the minus strand). VCF-style: chr14-75048738-A-T. GRCh37 (hg19) VCF-style: chr14-75515441-A-T.
Other names: c.918T>A, p.Tyr306Ter (NM_014381.3); short protein forms Y306*.
Identifiers: ClinVar variation 4844360 (VCV004844360.2).
Genomic context (GRCh38, chr14:75,048,738, plus strand): 5'-AGTTTTGGCTGGCTCCATGCACACATCATACTCACAGAATTGGCACTGCACATTAATTAC[A>T]TATATGCCATAGAGTTCTGGGGTAGACCGGTGCCGAAGACTTGAATTCATTTGCCTACTG-3'

ClinVar aggregate classification (germline): Pathogenic (1 of 4 stars; one submission).

gnomAD v4.1: 1 of 1,614,090 alleles (0.000062%); highest among the groups gnomAD compares: African/African-American, 0.0013%; no homozygotes.

Submission:

Ambry Genetics
Classification: Pathogenic. Last evaluated: 2026-05-28. Review status: criteria provided, single submitter. Criteria: Ambry Variant Classification Scheme 2023. Collection method: clinical testing. Allele origin: germline.
Comment: The p.Y306* pathogenic mutation (also known as c.918T>A), located in coding exon 1 of the MLH3 gene, results from a T to A substitution at nucleotide position 918. This changes the amino acid from a tyrosine to a stop codon within coding exon 1. This variant is considered to be rare based on population cohorts in the Genome Aggregation Database (gnomAD). This alteration is expected to result in loss of function by premature protein truncation or nonsense-mediated mRNA decay. As such, this alteration is interpreted as a disease-causing mutation.